The following is an entry in ClinVar:

NM_020975.6(RET):c.169C>T (p.Arg57Trp)

Gene: RET (ret proto-oncogene; plus strand). Cytogenetic location: 10q11.21.
Variant type: single nucleotide variant.
Coding change: c.169C>T on transcript NM_020975.6 (MANE Select); coding-DNA position 169, C replaced by T.
Protein change: p.Arg57Trp; replaces arginine 57 with tryptophan.
Molecular consequence: missense variant.
Genome position (GRCh38, 1-based): chr10:43,100,554, C>T. VCF-style: chr10-43100554-C-T. GRCh37 (hg19) VCF-style: chr10-43596002-C-T.
Other names: c.169C>T, p.Arg57Trp (NM_000323.2, NM_001406743.1, NM_001406744.1 and 34 more transcripts); short protein forms R57W.
Identifiers: ClinVar variation 229939 (VCV000229939.14), dbSNP rs876658284, ClinGen allele CA10578857.

ClinVar aggregate classification (germline): Uncertain significance. Review status: criteria provided, multiple submitters, no conflicts (2 of 4 stars). 3 submissions from 3 submitters: Uncertain significance (3). Last evaluated 2025-10-30.

Conditions:
Hereditary cancer-predisposing syndrome. Also called: Hereditary neoplastic syndrome; Hereditary Cancer Syndrome; Neoplastic Syndromes, Hereditary; Tumor predisposition. Identifiers: Orphanet 140162, MedGen C0027672, MeSH D009386, MONDO:0015356.
Multiple endocrine neoplasia, type 2 (MEN2). Identifiers: Orphanet 653, MedGen C4048306, MONDO:0019003. Disease mechanism: gain of function.

Allele frequency attached by ClinVar (database versions not stated): gnomAD exomes below 0.00001; TOPMed below 0.00001.
gnomAD v4.1: 2 of 1,613,906 alleles (0.00012%); highest among the groups gnomAD compares: Non-Finnish European, 0.00017%; no homozygotes.

Submissions (3):

Ambry Genetics
Classification: Uncertain significance for Hereditary cancer-predisposing syndrome. Last evaluated: 2025-10-30. Review status: criteria provided, single submitter. Criteria: Ambry Variant Classification Scheme 2023. Collection method: clinical testing. Allele origin: germline.
Comment: The c.169C>T (p.R57W) alteration is located in exon 2 (coding exon 2) of the RET gene. This alteration results from a C to T substitution at nucleotide position 169, causing the arginine (R) at amino acid position 57 to be replaced by a tryptophan (W). Based on data from gnomAD, the T allele has an overall frequency of <0.001% (1/250956) total alleles studied. The highest observed frequency was 0.001% (1/113346) of European (non-Finnish) alleles. Based on insufficient or conflicting evidence, the clinical significance of this alteration remains unclear.

Labcorp Genetics (formerly Invitae), Labcorp
Classification: Uncertain significance for Multiple endocrine neoplasia, type 2. Last evaluated: 2024-11-04. Review status: criteria provided, single submitter. Criteria: Invitae Variant Classification Sherloc (09022015). Collection method: clinical testing. Allele origin: germline.
Comment: This sequence change replaces arginine, which is basic and polar, with tryptophan, which is neutral and slightly polar, at codon 57 of the RET protein (p.Arg57Trp). This variant is present in population databases (no rsID available, gnomAD 0.0009%). This variant has not been reported in the literature in individuals affected with RET-related conditions. ClinVar contains an entry for this variant (Variation ID: 229939). An algorithm developed to predict the effect of missense changes on protein structure and function (PolyPhen-2) suggests that this variant is likely to be disruptive. In summary, the available evidence is currently insufficient to determine the role of this variant in disease. Therefore, it has been classified as a Variant of Uncertain Significance.

All of Us Research Program, National Institutes of Health
Classification: Uncertain significance for Multiple endocrine neoplasia, type 2. Last evaluated: 2024-02-22. Review status: criteria provided, single submitter. Criteria: ACMG Guidelines, 2015. Collection method: clinical testing. Allele origin: germline. Inheritance: Autosomal dominant inheritance. Observed: 1 variant allele, 1 heterozygote.
Comment: This missense variant replaces arginine with tryptophan at codon 57 of the RET protein. Computational prediction suggests that this variant may not impact protein structure and function. To our knowledge, functional studies have not been reported for this variant. This variant has not been reported in individuals affected with hereditary cancer in the literature. This variant has been identified in 1/250956 chromosomes in the general population by the Genome Aggregation Database (gnomAD). The available evidence is insufficient to determine the role of this variant in disease conclusively. Therefore, this variant is classified as a Variant of Uncertain Significance.

This study involves interpretation of variants in research participants for the purpose of population health screening. Participant phenotype was not available at the time of variant classification. Additional details can be found in publication PMID: 35346344, PMCID: PMC8962531